The following is an entry in ClinVar:

ClinVar aggregate classification (germline): Uncertain significance (1 of 4 stars; one submission).

Submission:

GeneDx
Classification: Uncertain significance. Last evaluated: 2021-04-22. Review status: criteria provided, single submitter. Criteria: GeneDx Variant Classification Process June 2021. Collection method: clinical testing. Allele origin: germline. Affected: yes.
Comment: Not observed in large population cohorts (Lek et al., 2016); In-frame deletion of one amino acids in a non-repeat region; In silico analysis supports that this variant does not alter protein structure/function; Has not been previously published as pathogenic or benign to our knowledge

NM_033337.3(CAV3):c.102_104del (p.Glu34del)

Gene: CAV3 (caveolin 3; plus strand). Cytogenetic location: 3p25.3.
Variant type: Deletion.
Coding change: c.102_104del on transcript NM_033337.3 (MANE Select); coding-DNA positions 102 to 104, 3 bases deleted (GGA; older notation c.102_104delGGA).
Protein change: p.Glu34del; deletes glutamic acid 34.
Molecular consequence: inframe deletion.
Genome position (GRCh38, 1-based): chr3:8,733,978-8,733,980, GGA deleted; deleting any 3 consecutive bases within chr3:8,733,976-8,733,980 gives the same sequence; the c. name uses the placement nearest the transcript's 3' end. VCF-style (leftmost placement, unchanged base first): chr3-8733975-CGAG-C. GRCh37 (hg19) VCF-style: chr3-8775661-CGAG-C.
Other names: c.102_104del, p.Glu34del (NM_001234.5); short protein forms E34del.
Identifiers: ClinVar variation 1305329 (VCV001305329.2), dbSNP rs2124977243, ClinGen allele CA2573052243.